The following is an entry in ClinVar:

ClinVar aggregate classification (germline): Pathogenic/Likely pathogenic. Review status: criteria provided, multiple submitters, no conflicts (2 of 4 stars). 3 submissions from 3 submitters: Pathogenic (2); Likely pathogenic (1). Last evaluated 2024-08-28.

Conditions:
CEP290-related ciliopathy. Also called: CEP290 ciliopathy. Identifiers: MedGen CN305601, MONDO:0100451.
Meckel-Gruber syndrome. Also called: DYSENCEPHALIA SPLANCHNOCYSTICA; GRUBER SYNDROME; Dysencephalia splachnocystica. Identifiers: Orphanet 564, MedGen C0265215, MONDO:0018921.
Joubert syndrome. Also called: JOUBERT-BOLTSHAUSER SYNDROME; Familial aplasia of the vermis. Identifiers: Orphanet 475, MedGen C5979921, MONDO:0018772.
Nephronophthisis. Also called: Juvenile Nephronophthisis. Identifiers: Orphanet 655, MedGen C0687120, MONDO:0019005, HP:0000090.
Leber congenital amaurosis (LCA). Also called: Leber's amaurosis. Identifiers: Orphanet 65, MedGen C0339527, MeSH D057130, MONDO:0018998.

Allele frequency attached by ClinVar (database versions not stated): gnomAD exomes below 0.00001.
gnomAD v4.1: 1 of 1,589,386 alleles (0.000063%); highest among the groups gnomAD compares: South Asian, 0.0012%; no homozygotes.

Submissions (3):

Myriad Genetics, Inc.
Classification: Pathogenic for CEP290-related ciliopathy. Last evaluated: 2024-08-28. Review status: criteria provided, single submitter. Criteria: Myriad Autosomal Dominant, Autosomal Recessive and X-Linked Classification Criteria (2023). Collection method: clinical testing. Allele origin: unknown.
Comment: NM_025114.3(CEP290):c.166C>T(Q56*) is expected to be pathogenic in the context of CEP290-related disorders. This variant is predicted to lead to an abnormal or absent protein product due to the creation of a premature termination codon in CEP290, a gene where loss-of-function variants are known to be pathogenic. Please note: this variant was assessed in the context of healthy population screening.

Natera, Inc.
Classification: Likely pathogenic for Leber congenital amaurosis. Last evaluated: 2024-03-25. Review status: criteria provided, single submitter. Criteria: Natera Variant Classification Schema (03/2026). Collection method: clinical testing. Allele origin: germline.
Comment: The c.166C>T variant in CEP290 is a nonsense variant predicted to introduce a stop codon at amino acid 56. This variant is expected to result in nonsense mediated decay, truncation, or a dysfunctional protein product. This variant is rare in the general population with a frequency below the threshold expected for the associated phenotype(s). Given the available evidence, this variant is classified as Likely Pathogenic.

Labcorp Genetics (formerly Invitae), Labcorp
Classification: Pathogenic for Joubert syndrome; Meckel-Gruber syndrome; Nephronophthisis. Last evaluated: 2022-02-03. Review status: criteria provided, single submitter. Criteria: Invitae Variant Classification Sherloc (09022015). Collection method: clinical testing. Allele origin: germline.
Comment: This sequence change creates a premature translational stop signal (p.Gln56*) in the CEP290 gene. It is expected to result in an absent or disrupted protein product. Loss-of-function variants in CEP290 are known to be pathogenic (PMID: 16909394, 17345604, 20690115). This variant is not present in population databases (gnomAD no frequency). This variant has not been reported in the literature in individuals affected with CEP290-related conditions. ClinVar contains an entry for this variant (Variation ID: 664921). For these reasons, this variant has been classified as Pathogenic.

Literature cited by the submitters: PubMed 16909394 (cited by Labcorp Genetics (formerly Invitae), Labcorp); PubMed 17345604 (cited by Labcorp Genetics (formerly Invitae), Labcorp); PubMed 20690115 (cited by Labcorp Genetics (formerly Invitae), Labcorp).

NM_025114.4(CEP290):c.166C>T (p.Gln56Ter)

Gene: CEP290 (centrosomal protein 290; minus strand). Cytogenetic location: 12q21.32.
Variant type: single nucleotide variant.
Coding change: c.166C>T on transcript NM_025114.4 (MANE Select); coding-DNA position 166, C replaced by T.
Protein change: p.Gln56Ter; replaces glutamine 56 with a stop codon.
Molecular consequence: nonsense.
Genome position (GRCh38, 1-based): chr12:88,140,970, G>A on the plus strand (C>T on the coding strand, the complement: CEP290 is on the minus strand). VCF-style: chr12-88140970-G-A. GRCh37 (hg19) VCF-style: chr12-88534747-G-A.
Other names: short protein forms Q56*.
Identifiers: ClinVar variation 664921 (VCV000664921.9), dbSNP rs1592706963, ClinGen allele CA385989775.